The following is an entry in ClinVar:

NM_000038.6(APC):c.7925C>G (p.Thr2642Ser)

Gene: APC (APC regulator of Wnt signaling pathway; plus strand). Cytogenetic location: 5q22.2.
Variant type: single nucleotide variant.
Coding change: c.7925C>G on transcript NM_000038.6 (MANE Select); coding-DNA position 7925, C replaced by G.
Protein change: p.Thr2642Ser; replaces threonine 2642 with serine.
Molecular consequence: missense variant. On other transcripts: non-coding transcript variant (2).
Genome position (GRCh38, 1-based): chr5:112,843,519, C>G. VCF-style: chr5-112843519-C-G. GRCh37 (hg19) VCF-style: chr5-112179216-C-G.
Other names: c.7925C>G, p.Thr2642Ser (NM_001127510.3, NM_001354895.2, NM_001407450.1); c.7871C>G, p.Thr2624Ser (NM_001127511.3); c.7979C>G, p.Thr2660Ser (NM_001354896.2, NM_001407447.1, NM_001407448.1 and 1 more transcripts); c.7955C>G, p.Thr2652Ser (NM_001354897.2); c.7850C>G, p.Thr2617Ser (NM_001354898.2); c.7841C>G, p.Thr2614Ser (NM_001354899.2); c.7802C>G, p.Thr2601Ser (NM_001354900.2); c.7748C>G, p.Thr2583Ser (NM_001354901.2, NM_001407453.1); and 11 more; short protein forms T2516S, T2541S, T2551S, T2617S, T2652S, T2513S, T2601S, T2632S.
Identifiers: ClinVar variation 5024336 (VCV005024336.1).
Genomic context (GRCh38, chr5:112,843,519, plus strand): 5'-CCACAAATAGTACTTCTCAGACCGTTTCCTCAGGTGCTACAAATGGTGCTGAATCAAAGA[C>G]TCTAATTTATCAAATGGCACCTGCTGTTTCTAAAACAGAGGATGTTTGGGTGAGAATTGA-3'
Protein context (NP_000029.2, residues 2632-2652): SGATNGAESK[Thr2642Ser]LIYQMAPAVS

ClinVar aggregate classification (germline): Uncertain significance (1 of 4 stars; one submission).

Conditions:
Hereditary cancer-predisposing syndrome. Also called: Neoplastic Syndromes, Hereditary; Tumor predisposition; Hereditary neoplastic syndrome; Hereditary Cancer Syndrome. Identifiers: Orphanet 140162, MedGen C0027672, MeSH D009386, MONDO:0015356.

Submission:

Ambry Genetics
Classification: Uncertain significance for Hereditary cancer-predisposing syndrome. Last evaluated: 2026-07-02. Review status: criteria provided, single submitter. Criteria: Ambry Variant Classification Scheme 2023. Collection method: clinical testing. Allele origin: germline.
Comment: The p.T2642S variant (also known as c.7925C>G), located in coding exon 15 of the APC gene, results from a C to G substitution at nucleotide position 7925. The threonine at codon 2642 is replaced by serine, an amino acid with similar properties. This amino acid position is conserved. In addition, in silico predictors for this gene do not accurately predict pathogenicity. Based on the available evidence, the clinical significance of this variant remains unclear.